The following is an entry in ClinVar:

NM_032043.3(BRIP1):c.3011G>A (p.Ser1004Asn)

Gene: BRIP1 (BRCA1 interacting DNA helicase 1; minus strand). Cytogenetic location: 17q23.2.
Variant type: single nucleotide variant.
Coding change: c.3011G>A on transcript NM_032043.3 (MANE Select); coding-DNA position 3011, G replaced by A.
Protein change: p.Ser1004Asn; replaces serine 1004 with asparagine.
Molecular consequence: missense variant.
Genome position (GRCh38, 1-based): chr17:61,684,035, C>T on the plus strand (G>A on the coding strand, the complement: BRIP1 is on the minus strand). VCF-style: chr17-61684035-C-T. GRCh37 (hg19) VCF-style: chr17-59761396-C-T.
Other names: short protein forms S1004N.
Identifiers: ClinVar variation 1320940 (VCV001320940.4), dbSNP rs766562396, ClinGen allele CA8690409.
Genomic context (GRCh38, chr17:61,684,035, plus strand): 5'-CCGAGCTCAGGTGTTGCCTTCGGTATTTTACCAGTAAAATACTGTCCCAAAGAATTAAAG[C>T]TTGACCAGCTAACTCTCTTTGTTTGTTTGTTGAAAGTTGGGCTTGTGGATCTGGAAATCA-3'
Protein context (NP_114432.2, residues 994-1014): NKQTKRVSWS[Ser1004Asn]FNSLGQYFTG

ClinVar aggregate classification (germline): Uncertain significance. Review status: criteria provided, multiple submitters, no conflicts (2 of 4 stars). 3 submissions from 3 submitters: Uncertain significance (3). Last evaluated 2025-06-05.

Conditions:
Hereditary cancer-predisposing syndrome. Also called: Hereditary neoplastic syndrome; Neoplastic Syndromes, Hereditary; Tumor predisposition; Hereditary Cancer Syndrome. Identifiers: Orphanet 140162, MedGen C0027672, MeSH D009386, MONDO:0015356.

Allele frequency attached by ClinVar (database versions not stated): gnomAD exomes below 0.00001; ExAC 0.00001.
gnomAD v4.1: 1 of 1,614,010 alleles (0.000062%); highest among the groups gnomAD compares: South Asian, 0.0011%; no homozygotes.

Submissions (3):

Quest Diagnostics Nichols Institute San Juan Capistrano
Classification: Uncertain significance. Last evaluated: 2025-06-05. Review status: criteria provided, single submitter. Criteria: Quest Diagnostics criteria. Collection method: clinical testing. Allele origin: unknown.
Comment: The BRIP1 c.3011G>A (p.Ser1004Asn) variant has not been reported in individuals with BRIP1-related conditions in the published literature. The frequency of this variant in the general population (Genome Aggregation Database) is uninformative in the assessment of its pathogenicity. Analysis of this variant using bioinformatics tools for the prediction of the effect of amino acid changes on protein structure and function yielded predictions that this variant is benign. Based on the available information, we are unable to determine the clinical significance of this variant.

Ambry Genetics
Classification: Uncertain significance for Hereditary cancer-predisposing syndrome. Last evaluated: 2024-05-23. Review status: criteria provided, single submitter. Criteria: Ambry Variant Classification Scheme 2023. Collection method: clinical testing. Allele origin: germline.
Comment: The p.S1004N variant (also known as c.3011G>A), located in coding exon 19 of the BRIP1 gene, results from a G to A substitution at nucleotide position 3011. The serine at codon 1004 is replaced by asparagine, an amino acid with highly similar properties. This amino acid position is conserved. In addition, this alteration is predicted to be tolerated by in silico analysis. Based on the available evidence, the clinical significance of this variant remains unclear.

GeneDx
Classification: Uncertain significance. Last evaluated: 2020-02-06. Review status: criteria provided, single submitter. Criteria: GeneDx Variant Classification Process June 2021. Collection method: clinical testing. Allele origin: germline. Affected: yes.
Comment: Not observed at a significant frequency in large population cohorts (Lek 2016); In silico analysis supports that this missense variant does not alter protein structure/function; Has not been previously published as pathogenic or benign to our knowledge